The following is an entry in ClinVar:

ClinVar aggregate classification (germline): Uncertain significance (1 of 4 stars; one submission).

Conditions:
Cohen syndrome (COH1). Also called: Cutis verticis gyrata, retinitis pigmentosa, and sensorineural deafness; PEPPER SYNDROME. Identifiers: Orphanet 193, MedGen C0265223, MONDO:0008999, OMIM 216550.

gnomAD v4.1: 37 of 1,614,034 alleles (0.0023%); highest among the groups gnomAD compares: South Asian, 0.04%; no homozygotes.

Submission:

Labcorp Genetics (formerly Invitae), Labcorp
Classification: Uncertain significance for Cohen syndrome. Last evaluated: 2024-04-10. Review status: criteria provided, single submitter. Criteria: Invitae Variant Classification Sherloc (09022015). Collection method: clinical testing. Allele origin: germline.
Comment: This sequence change replaces isoleucine, which is neutral and non-polar, with valine, which is neutral and non-polar, at codon 2573 of the VPS13B protein (p.Ile2573Val). This variant is present in population databases (rs559197969, gnomAD 0.04%). This variant has not been reported in the literature in individuals affected with VPS13B-related conditions. Advanced modeling of protein sequence and biophysical properties (such as structural, functional, and spatial information, amino acid conservation, physicochemical variation, residue mobility, and thermodynamic stability) performed at Invitae indicates that this missense variant is not expected to disrupt VPS13B protein function with a negative predictive value of 80%. In summary, the available evidence is currently insufficient to determine the role of this variant in disease. Therefore, it has been classified as a Variant of Uncertain Significance.

NM_152564.5(VPS13B):c.7642A>G (p.Ile2548Val)

Gene: VPS13B (vacuolar protein sorting 13 homolog B; plus strand). Cytogenetic location: 8q22.2.
Variant type: single nucleotide variant.
Coding change: c.7642A>G on transcript NM_152564.5 (MANE Select); coding-DNA position 7642, A replaced by G.
Protein change: p.Ile2548Val; replaces isoleucine 2548 with valine.
Molecular consequence: missense variant.
Genome position (GRCh38, 1-based): chr8:99,778,894, A>G. VCF-style: chr8-99778894-A-G. GRCh37 (hg19) VCF-style: chr8-100791122-A-G.
Other names: c.7717A>G, p.Ile2573Val (NM_017890.5); short protein forms I2573V, I2548V.
Identifiers: ClinVar variation 3729363 (VCV003729363.2).